The following is an entry in ClinVar:

NM_001278716.2(FBXL4):c.1349G>C (p.Cys450Ser)

Gene: FBXL4 (F-box and leucine rich repeat protein 4; minus strand). Cytogenetic location: 6q16.1.
Variant type: single nucleotide variant.
Coding change: c.1349G>C on transcript NM_001278716.2 (MANE Select); coding-DNA position 1349, G replaced by C.
Protein change: p.Cys450Ser; replaces cysteine 450 with serine.
Molecular consequence: missense variant. On other transcripts: non-coding transcript variant (1).
Genome position (GRCh38, 1-based): chr6:98,880,593, C>G on the plus strand (G>C on the coding strand, the complement: FBXL4 is on the minus strand). VCF-style: chr6-98880593-C-G. GRCh37 (hg19) VCF-style: chr6-99328469-C-G.
Other names: c.1349G>C, p.Cys450Ser (NM_012160.5); c.1349G>C (NM_012160.3); short protein forms C450S.
Identifiers: ClinVar variation 2094031 (VCV002094031.4), dbSNP rs745312139, ClinGen allele CA365089466.

ClinVar aggregate classification (germline): Uncertain significance. Review status: criteria provided, multiple submitters, no conflicts (2 of 4 stars). 2 submissions from 2 submitters: Uncertain significance (2). Last evaluated 2025-09-17.

Conditions:
Inborn genetic diseases. Identifiers: MedGen C0950123, MeSH D030342.

Submissions (2):

Labcorp Genetics (formerly Invitae), Labcorp
Classification: Uncertain significance. Last evaluated: 2025-09-17. Review status: criteria provided, single submitter. Criteria: Invitae Variant Classification Sherloc (09022015). Collection method: clinical testing. Allele origin: germline.
Comment: This sequence change replaces cysteine, which is neutral and slightly polar, with serine, which is neutral and polar, at codon 450 of the FBXL4 protein (p.Cys450Ser). This variant is not present in population databases (gnomAD no frequency). This variant has not been reported in the literature in individuals affected with FBXL4-related conditions. ClinVar contains an entry for this variant (Variation ID: 2094031). Invitae Evidence Modeling of protein sequence and biophysical properties (such as structural, functional, and spatial information, amino acid conservation, physicochemical variation, residue mobility, and thermodynamic stability) indicates that this missense variant is not expected to disrupt FBXL4 protein function with a negative predictive value of 80%. In summary, the available evidence is currently insufficient to determine the role of this variant in disease. Therefore, it has been classified as a Variant of Uncertain Significance.

Ambry Genetics
Classification: Uncertain significance for Inborn genetic diseases. Last evaluated: 2024-11-24. Review status: criteria provided, single submitter. Criteria: Ambry Variant Classification Scheme 2023. Collection method: clinical testing. Allele origin: germline.